The following is an entry in ClinVar:

NM_015634.4(KIFBP):c.991-296T>C

Gene: KIFBP (kinesin family binding protein; plus strand). Cytogenetic location: 10q22.1.
Variant type: single nucleotide variant.
Coding change: c.991-296T>C on transcript NM_015634.4 (MANE Select); 296 bases into the intron before coding-DNA position 991, T replaced by C.
Molecular consequence: intron variant.
Genome position (GRCh38, 1-based): chr10:69,015,245, T>C. VCF-style: chr10-69015245-T-C. GRCh37 (hg19) VCF-style: chr10-70775001-T-C.
Identifiers: ClinVar variation 671932 (VCV000671932.1), dbSNP rs2429023, ClinGen allele CA16393462.

ClinVar aggregate classification (germline): Benign (1 of 4 stars; one submission).

Allele frequency attached by ClinVar (database versions not stated): 1000 Genomes Project 0.10823; 1000 Genomes Project 30x 0.10946; TOPMed 0.13908; gnomAD 0.14034 and 0.14190; gnomAD exomes 0.16666.
gnomAD v4.1: 51,914 of 334,510 alleles (16%); highest among the groups gnomAD compares: Admixed American, 22%; 4,802 homozygotes.

Submission:

GeneDx
Classification: Benign. Last evaluated: 2018-06-19. Review status: criteria provided, single submitter. Criteria: GeneDx Variant Classification (06012015). Collection method: clinical testing. Allele origin: germline. Affected: yes.
Comment: This variant is considered likely benign or benign based on one or more of the following criteria: it is a conservative change, it occurs at a poorly conserved position in the protein, it is predicted to be benign by multiple in silico algorithms, and/or has population frequency not consistent with disease.